The following is an entry in ClinVar:

NM_001283009.2(RTEL1):c.3083A>C (p.His1028Pro)

Genes: RTEL1 (regulator of telomere elongation helicase 1; plus strand), RTEL1-TNFRSF6B (RTEL1-TNFRSF6B readthrough (NMD candidate); plus strand). Cytogenetic location: 20q13.33.
Variant type: single nucleotide variant.
Coding change: c.3083A>C on transcript NM_001283009.2 (MANE Select); coding-DNA position 3083, A replaced by C.
Protein change: p.His1028Pro; replaces histidine 1028 with proline.
Molecular consequence: missense variant. On other transcripts: non-coding transcript variant (1).
Genome position (GRCh38, 1-based): chr20:63,694,462, A>C. VCF-style: chr20-63694462-A-C. GRCh37 (hg19) VCF-style: chr20-62325815-A-C.
Other names: c.2414A>C, p.His805Pro (NM_001283010.1); c.3083A>C, p.His1028Pro (NM_016434.4); c.3155A>C, p.His1052Pro (NM_032957.5); short protein forms H1028P, H1052P, H805P.
Identifiers: ClinVar variation 2187611 (VCV002187611.5), dbSNP rs766493496, ClinGen allele CA409684648.

ClinVar aggregate classification (germline): Uncertain significance. Review status: criteria provided, multiple submitters, no conflicts (2 of 4 stars). 2 submissions from 2 submitters: Uncertain significance (2). Last evaluated 2025-06-02.

Conditions:
Pulmonary fibrosis and/or bone marrow failure, Telomere-related, 3. Also called: PULMONARY FIBROSIS AND/OR BONE MARROW FAILURE SYNDROME, TELOMERE-RELATED, 3. Identifiers: Orphanet 2032, MedGen C4225346, MONDO:0014613, OMIM 616373.
Dyskeratosis congenita, autosomal recessive 5 (DKCB5). Identifiers: MedGen C3554656, MONDO:0014076, OMIM 615190.
Inborn genetic diseases. Identifiers: MedGen C0950123, MeSH D030342.

Allele frequency attached by ClinVar (database versions not stated): TOPMed below 0.00001.

Submissions (2):

Ambry Genetics
Classification: Uncertain significance for Inborn genetic diseases. Last evaluated: 2025-06-02. Review status: criteria provided, single submitter. Criteria: Ambry Variant Classification Scheme 2023. Collection method: clinical testing. Allele origin: germline.
Comment: The p.H1028P variant (also known as c.3083A>C), located in coding exon 30 of the RTEL1 gene, results from an A to C substitution at nucleotide position 3083. The histidine at codon 1028 is replaced by proline, an amino acid with similar properties. This amino acid position is conserved. In addition, the in silico prediction for this alteration is inconclusive. Based on the available evidence, the clinical significance of this variant remains unclear.

Labcorp Genetics (formerly Invitae), Labcorp
Classification: Uncertain significance for Dyskeratosis congenita, autosomal recessive 5; Pulmonary fibrosis and/or bone marrow failure, Telomere-related, 3. Last evaluated: 2022-01-04. Review status: criteria provided, single submitter. Criteria: Invitae Variant Classification Sherloc (09022015). Collection method: clinical testing. Allele origin: germline.
Comment: This sequence change replaces histidine, which is basic and polar, with proline, which is neutral and non-polar, at codon 1028 of the RTEL1 protein (p.His1028Pro). This variant is not present in population databases (gnomAD no frequency). This variant has not been reported in the literature in individuals affected with RTEL1-related conditions. Algorithms developed to predict the effect of missense changes on protein structure and function are either unavailable or do not agree on the potential impact of this missense change (SIFT: "Deleterious"; PolyPhen-2: "Probably Damaging"; Align-GVGD: "Class C0"). In summary, the available evidence is currently insufficient to determine the role of this variant in disease. Therefore, it has been classified as a Variant of Uncertain Significance.